The following is an entry in ClinVar:

NM_006389.5(HYOU1):c.898C>T (p.Arg300Trp)

Gene: HYOU1 (hypoxia up-regulated 1; minus strand). Cytogenetic location: 11q23.3.
Variant type: single nucleotide variant.
Coding change: c.898C>T on transcript NM_006389.5 (MANE Select); coding-DNA position 898, C replaced by T.
Protein change: p.Arg300Trp; replaces arginine 300 with tryptophan.
Molecular consequence: missense variant.
Genome position (GRCh38, 1-based): chr11:119,052,726, G>A on the plus strand (C>T on the coding strand, the complement: HYOU1 is on the minus strand). VCF-style: chr11-119052726-G-A. GRCh37 (hg19) VCF-style: chr11-118923438-G-A.
Other names: c.898C>T, p.Arg300Trp (NM_001130991.3, NM_001411041.1); short protein forms R300W.
Identifiers: ClinVar variation 2071583 (VCV002071583.6), dbSNP rs782034654, ClinGen allele CA229623622.

ClinVar aggregate classification (germline): Uncertain significance. Review status: criteria provided, multiple submitters, no conflicts (2 of 4 stars). 2 submissions from 2 submitters: Uncertain significance (2). Last evaluated 2025-06-30.

gnomAD v4.1: 31 of 1,614,042 alleles (0.0019%); highest among the groups gnomAD compares: Admixed American, 0.0033%; 1 homozygote.

Submissions (2):

Ambry Genetics
Classification: Uncertain significance. Last evaluated: 2025-06-30. Review status: criteria provided, single submitter. Criteria: Ambry Variant Classification Scheme 2023. Collection method: clinical testing. Allele origin: germline.

Labcorp Genetics (formerly Invitae), Labcorp
Classification: Uncertain significance. Last evaluated: 2024-10-24. Review status: criteria provided, single submitter. Criteria: Invitae Variant Classification Sherloc (09022015). Collection method: clinical testing. Allele origin: germline.
Comment: This sequence change replaces arginine, which is basic and polar, with tryptophan, which is neutral and slightly polar, at codon 300 of the HYOU1 protein (p.Arg300Trp). This variant is present in population databases (rs782034654, gnomAD 0.003%). This variant has not been reported in the literature in individuals affected with HYOU1-related conditions. ClinVar contains an entry for this variant (Variation ID: 2071583). Experimental studies and prediction algorithms are not available or were not evaluated, and the functional significance of this variant is currently unknown. In summary, the available evidence is currently insufficient to determine the role of this variant in disease. Therefore, it has been classified as a Variant of Uncertain Significance.